The following is an entry in ClinVar:

NC_000002.12:g.233760242A>G

Genes: UGT1A3 (UDP glucuronosyltransferase family 1 member A3; plus strand), UGT1A4 (UDP glucuronosyltransferase family 1 member A4; plus strand), UGT1A5 (UDP glucuronosyltransferase family 1 member A5; plus strand), UGT1A6 (UDP glucuronosyltransferase family 1 member A6; plus strand), UGT1A7 (UDP glucuronosyltransferase family 1 member A7; plus strand) and 5 more. Cytogenetic location: 2q37.1.
Variant type: single nucleotide variant.
Molecular consequence: intron variant (on NM_019076.5).
Genome position: GRCh38 VCF-style: chr2-233760242-A-G. GRCh37 (hg19) VCF-style: chr2-234668888-A-G.
Other names: c.856-6792A>G (NM_019076.5, NM_019075.4, NM_021027.3 and 1 more transcripts); c.61-6792A>G (NM_205862.3); c.862-6792A>G (NM_001072.4); c.868-6792A>G (NM_019078.2, NM_007120.3, NM_019093.4).
Identifiers: ClinVar variation 1895626 (VCV001895626.7), dbSNP rs760166727, ClinGen allele CA2179747.

ClinVar aggregate classification (germline): Benign. Review status: criteria provided, single submitter (1 of 4 stars). 2 submissions from 2 submitters: Benign (1). 1 of the submissions does not count toward it. Last evaluated 2025-08-19.

Conditions:
UGT1A1-related disorder. Also called: UGT1A1-related condition; UGT1A1-related disorders.

Allele frequency attached by ClinVar (database versions not stated): gnomAD 0.00005; TOPMed 0.00014; ExAC 0.00038.
gnomAD v4.1: 116 of 1,607,556 alleles (0.0072%); highest among the groups gnomAD compares: Admixed American, 0.19%; 3 homozygotes.

Submissions (2):

Labcorp Genetics (formerly Invitae), Labcorp
Classification: Benign. Last evaluated: 2025-08-19. Review status: criteria provided, single submitter. Criteria: Invitae Variant Classification Sherloc (09022015). Collection method: clinical testing. Allele origin: germline.

PreventionGenetics, part of Exact Sciences
Classification: Likely benign for UGT1A1-related condition. Last evaluated: 2022-11-17. Review status: no assertion criteria provided. Collection method: clinical testing. Allele origin: germline. Not counted in ClinVar's aggregate classification.
Comment: This variant is classified as likely benign based on ACMG/AMP sequence variant interpretation guidelines (Richards et al. 2015 PMID: 25741868, with internal and published modifications).